The following is an entry in ClinVar:

NM_024675.4(PALB2):c.3306C>T (p.Ser1102=)

Gene: PALB2 (partner and localizer of BRCA2; minus strand). Cytogenetic location: 16p12.2.
Variant type: single nucleotide variant.
Coding change: c.3306C>T on transcript NM_024675.4 (MANE Select); coding-DNA position 3306, C replaced by T.
Protein change: p.Ser1102=; no amino-acid change (serine 1102 retained).
Molecular consequence: synonymous variant.
Genome position (GRCh38, 1-based): chr16:23,607,908, G>A on the plus strand (C>T on the coding strand, the complement: PALB2 is on the minus strand). VCF-style: chr16-23607908-G-A. GRCh37 (hg19) VCF-style: chr16-23619229-G-A.
Identifiers: ClinVar variation 230327 (VCV000230327.44), dbSNP rs515726112, ClinGen allele CA10579921.

ClinVar aggregate classification (germline): Benign/Likely benign. Review status: criteria provided, multiple submitters, no conflicts (2 of 4 stars). 7 submissions from 7 submitters: Benign (1); Likely benign (5). 1 of the submissions does not count toward it. Last evaluated 2026-01-19.

Conditions:
Breast-ovarian cancer, familial, susceptibility to, 5 (BROVCA5). Identifiers: MedGen C5830615, MONDO:0957530, OMIM 620442.
Hereditary cancer-predisposing syndrome. Also called: Neoplastic Syndromes, Hereditary; Hereditary Cancer Syndrome; Tumor predisposition; Hereditary neoplastic syndrome. Identifiers: Orphanet 140162, MedGen C0027672, MeSH D009386, MONDO:0015356.
Familial cancer of breast. Also called: Hereditary breast cancer; hereditary breast carcinoma; BREAST CANCER, FAMILIAL. Identifiers: Orphanet 227535, MedGen C0346153, MONDO:0016419, OMIM 114480. Disease mechanism: loss of function.

Allele frequency attached by ClinVar (database versions not stated): TOPMed 0.00001.
gnomAD v4.1: 14 of 1,613,990 alleles (0.00087%); highest among the groups gnomAD compares: South Asian, 0.0044%; no homozygotes.

Submissions (7):

Labcorp Genetics (formerly Invitae), Labcorp
Classification: Likely benign for Familial cancer of breast. Last evaluated: 2026-01-19. Review status: criteria provided, single submitter. Criteria: Invitae Variant Classification Sherloc (09022015). Collection method: clinical testing. Allele origin: germline.

Myriad Genetics, Inc.
Classification: Benign for Familial cancer of breast. Last evaluated: 2025-01-22. Review status: criteria provided, single submitter. Criteria: Myriad Autosomal Dominant, Autosomal Recessive and X-Linked Classification Criteria (2023). Collection method: clinical testing. Allele origin: unknown.
Comment: This variant is considered benign. This variant is a silent/synonymous amino acid change and it is not expected to impact splicing.

KCCC/NGS Laboratory, Kuwait Cancer Control Center
Classification: Likely benign for Breast-ovarian cancer, familial, susceptibility to, 5. Last evaluated: 2023-07-07. Review status: criteria provided, single submitter. Criteria: ACMG Guidelines, 2015. Collection method: clinical testing. Allele origin: germline. Affected: yes.

CeGaT Center for Human Genetics Tuebingen
Classification: Likely benign. Last evaluated: 2023-01-01. Review status: criteria provided, single submitter. Criteria: CeGaT Center For Human Genetics Tuebingen Variant Classification Criteria Version 2. Collection method: clinical testing. Allele origin: germline. Affected: yes. Observed: 1 variant allele.
Comment: PALB2: BP4, BP7

Color Diagnostics, LLC DBA Color Health
Classification: Likely benign for Hereditary cancer-predisposing syndrome. Last evaluated: 2017-10-27. Review status: criteria provided, single submitter. Criteria: ACMG Guidelines, 2015. Collection method: clinical testing. Allele origin: germline.

Ambry Genetics
Classification: Likely benign for Hereditary cancer-predisposing syndrome. Last evaluated: 2015-02-10. Review status: criteria provided, single submitter. Criteria: Ambry Variant Classification Scheme 2023. Collection method: clinical testing. Allele origin: germline.

Leiden Open Variation Database
Classification: Benign. Last evaluated: 2018-08-25. Review status: no assertion criteria provided. Collection method: curation. Allele origin: germline. Affected: yes. Not counted in ClinVar's aggregate classification.
Comment: Curators: Marc Tischkowitz, Arleen D. Auerbach. Submitter to LOVD: Yukihide Momozawa.

Literature cited by the submitters: PubMed 30287823 (cited by Leiden Open Variation Database).